The following is an entry in ClinVar:

NM_001999.4(FBN2):c.6986G>T (p.Arg2329Leu)

Gene: FBN2 (fibrillin 2; minus strand). Cytogenetic location: 5q23.3.
Variant type: single nucleotide variant.
Coding change: c.6986G>T on transcript NM_001999.4 (MANE Select); coding-DNA position 6986, G replaced by T.
Protein change: p.Arg2329Leu; replaces arginine 2329 with leucine.
Molecular consequence: missense variant.
Genome position (GRCh38, 1-based): chr5:128,286,744, C>A on the plus strand (G>T on the coding strand, the complement: FBN2 is on the minus strand). VCF-style: chr5-128286744-C-A. GRCh37 (hg19) VCF-style: chr5-127622436-C-A.
Other names: short protein forms R2329L.
Identifiers: ClinVar variation 569325 (VCV000569325.49), dbSNP rs370804151, ClinGen allele CA360758778.

ClinVar aggregate classification (germline): Conflicting classifications of pathogenicity. Review status: criteria provided, conflicting classifications (1 of 4 stars). 3 submissions from 3 submitters: Uncertain significance (2); Likely benign (1). Last evaluated 2026-03-07.

Conditions:
Congenital contractural arachnodactyly (CCA). Also called: BEALS SYNDROME; Beals-Hecht syndrome; Arthrogryposis, distal, type 9. Identifiers: Orphanet 115, MedGen C0220668, MONDO:0007363, OMIM 121050.
Familial thoracic aortic aneurysm and aortic dissection (TAAD). Also called: Thoracic aortic aneurysms and dissections. Identifiers: Orphanet 91387, MedGen C4707243, MONDO:0019625.

Allele frequency attached by ClinVar (database versions not stated): TOPMed 0.00003.
gnomAD v4.1: 7 of 1,614,022 alleles (0.00043%); highest among the groups gnomAD compares: Non-Finnish European, 0.00059%; no homozygotes.

Submissions (3):

Ambry Genetics
Classification: Uncertain significance for Familial thoracic aortic aneurysm and aortic dissection. Last evaluated: 2026-03-07. Review status: criteria provided, single submitter. Criteria: Ambry Variant Classification Scheme 2023. Collection method: clinical testing. Allele origin: germline.
Comment: The p.R2329L variant (also known as c.6986G>T), located in coding exon 55 of the FBN2 gene, results from a G to T substitution at nucleotide position 6986. The arginine at codon 2329 is replaced by leucine, an amino acid with dissimilar properties. This amino acid position is conserved. In addition, the in silico prediction for this alteration is inconclusive. Based on the available evidence, the clinical significance of this variant remains unclear.

Labcorp Genetics (formerly Invitae), Labcorp
Classification: Likely benign for Congenital contractural arachnodactyly. Last evaluated: 2025-04-11. Review status: criteria provided, single submitter. Criteria: Invitae Variant Classification Sherloc (09022015). Collection method: clinical testing. Allele origin: germline.

CeGaT Center for Human Genetics Tuebingen
Classification: Uncertain significance. Last evaluated: 2019-02-01. Review status: criteria provided, single submitter. Criteria: CeGaT Center For Human Genetics Tuebingen Variant Classification Criteria Version 2. Collection method: clinical testing. Allele origin: germline. Affected: yes. Observed: 1 variant allele.